The following is an entry in ClinVar:

ClinVar aggregate classification (germline): Uncertain significance. Review status: criteria provided, multiple submitters, no conflicts (2 of 4 stars). 3 submissions from 3 submitters: Uncertain significance (3). Last evaluated 2023-12-01.

Conditions:
Glycogen storage disease XV (GSD15). Also called: GLYCOGENIN DEFICIENCY; GSD XV. Identifiers: Orphanet 263297, MedGen C3150754, MONDO:0013291, OMIM 613507.
Polyglucosan body myopathy type 2. Identifiers: Orphanet 456369, MedGen C4015452, MONDO:0014526, OMIM 616199.
Inborn genetic diseases. Identifiers: MedGen C0950123, MeSH D030342.

Allele frequency attached by ClinVar (database versions not stated): ExAC 0.00001; gnomAD exomes 0.00002; TOPMed 0.00003; gnomAD 0.00004 and 0.00005.
gnomAD v4.1: 32 of 1,613,124 alleles (0.002%); highest among the groups gnomAD compares: Middle Eastern, 0.033%; no homozygotes.

Submissions (3):

Blueprint Genetics
Classification: Uncertain significance. Last evaluated: 2023-12-01. Review status: criteria provided, single submitter. Criteria: ACMG Guidelines, 2015. Collection method: clinical testing. Allele origin: germline.

Labcorp Genetics (formerly Invitae), Labcorp
Classification: Uncertain significance for Polyglucosan body myopathy type 2; Glycogen storage disease XV. Last evaluated: 2022-08-06. Review status: criteria provided, single submitter. Criteria: Invitae Variant Classification Sherloc (09022015). Collection method: clinical testing. Allele origin: germline.
Comment: This sequence change replaces glycine, which is neutral and non-polar, with valine, which is neutral and non-polar, at codon 205 of the GYG1 protein (p.Gly205Val). This variant is present in population databases (rs763516254, gnomAD 0.004%). This variant has not been reported in the literature in individuals affected with GYG1-related conditions. ClinVar contains an entry for this variant (Variation ID: 1373985). Algorithms developed to predict the effect of missense changes on protein structure and function are either unavailable or do not agree on the potential impact of this missense change (SIFT: "Deleterious"; PolyPhen-2: "Probably Damaging"; Align-GVGD: "Class C0"). In summary, the available evidence is currently insufficient to determine the role of this variant in disease. Therefore, it has been classified as a Variant of Uncertain Significance.

Ambry Genetics
Classification: Uncertain significance for Inborn genetic diseases. Last evaluated: 2021-08-16. Review status: criteria provided, single submitter. Criteria: Ambry Variant Classification Scheme 2023. Collection method: clinical testing. Allele origin: germline.

NM_004130.4(GYG1):c.614G>T (p.Gly205Val)

Gene: GYG1 (glycogenin 1; plus strand). Cytogenetic location: 3q24.
Variant type: single nucleotide variant.
Coding change: c.614G>T on transcript NM_004130.4 (MANE Select); coding-DNA position 614, G replaced by T.
Protein change: p.Gly205Val; replaces glycine 205 with valine.
Molecular consequence: missense variant. On other transcripts: intron variant (1).
Genome position (GRCh38, 1-based): chr3:149,024,058, G>T. VCF-style: chr3-149024058-G-T. GRCh37 (hg19) VCF-style: chr3-148741845-G-T.
Other names: c.614G>T, p.Gly205Val (NM_001184720.2); c.609-2702G>T (NM_001184721.2); c.614G>T (NM_004130.3); short protein forms G205V.
Identifiers: ClinVar variation 1373985 (VCV001373985.7), dbSNP rs763516254, ClinGen allele CA2658624.
Genomic context (GRCh38, chr3:149,024,058, plus strand): 5'-CTTTTTGTCAGTACTCAGAATCCACTAACTGTTTCAACTTGCGTTCACTTGGCAGGTTTG[G>T]TGCAAGTGCCAAAGTTGTGCATTTCCTGGGACGAGTCAAACCATGGAATTATACTTATGA-3'
Protein context (NP_004121.2, residues 195-215): YSYLPAFKVF[Gly205Val]ASAKVVHFLG